The following is an entry in ClinVar:

ClinVar aggregate classification (germline): Uncertain significance. Review status: criteria provided, multiple submitters, no conflicts (2 of 4 stars). 2 submissions from 2 submitters: Uncertain significance (2). Last evaluated 2024-10-07.

Conditions:
Inborn genetic diseases. Identifiers: MedGen C0950123, MeSH D030342.

Allele frequency attached by ClinVar (database versions not stated): ExAC 0.00002; gnomAD 0.00002; TOPMed 0.00004; ESP Exome Variant Server 0.00008.
gnomAD v4.1: 54 of 1,613,530 alleles (0.0033%); highest among the groups gnomAD compares: Non-Finnish European, 0.0045%; no homozygotes.

Submissions (2):

GeneDx
Classification: Uncertain significance. Last evaluated: 2024-10-07. Review status: criteria provided, single submitter. Criteria: GeneDx Variant Classification Process June 2021. Collection method: clinical testing. Allele origin: germline. Affected: yes.
Comment: Not observed at significant frequency in large population cohorts (gnomAD); In silico analysis indicates that this missense variant does not alter protein structure/function; Has not been previously published as pathogenic or benign to our knowledge

Ambry Genetics
Classification: Uncertain significance for Inborn genetic diseases. Last evaluated: 2022-04-13. Review status: criteria provided, single submitter. Criteria: Ambry Variant Classification Scheme 2023. Collection method: clinical testing. Allele origin: germline.

NM_138691.3(TMC1):c.382A>G (p.Ser128Gly)

Gene: TMC1 (transmembrane channel like 1; plus strand). Cytogenetic location: 9q21.13.
Variant type: single nucleotide variant.
Coding change: c.382A>G on transcript NM_138691.3 (MANE Select); coding-DNA position 382, A replaced by G.
Protein change: p.Ser128Gly; replaces serine 128 with glycine.
Molecular consequence: missense variant.
Genome position (GRCh38, 1-based): chr9:72,740,138, A>G. VCF-style: chr9-72740138-A-G. GRCh37 (hg19) VCF-style: chr9-75355054-A-G.
Other names: short protein forms S128G.
Identifiers: ClinVar variation 2212739 (VCV002212739.3), dbSNP rs372983741, ClinGen allele CA5081657.